The following is an entry in ClinVar:

NM_001111125.3(IQSEC2):c.2810A>G (p.Gln937Arg)

Gene: IQSEC2 (IQ motif and Sec7 domain ArfGEF 2; minus strand). Cytogenetic location: Xp11.22.
Variant type: single nucleotide variant.
Coding change: c.2810A>G on transcript NM_001111125.3 (MANE Select); coding-DNA position 2810, A replaced by G.
Protein change: p.Gln937Arg; replaces glutamine 937 with arginine.
Molecular consequence: missense variant.
Genome position (GRCh38, 1-based): chrX:53,243,411, T>C on the plus strand (A>G on the coding strand, the complement: IQSEC2 is on the minus strand). VCF-style: chrX-53243411-T-C. GRCh37 (hg19) VCF-style: chrX-53272593-T-C.
Other names: c.2810A>G, p.Gln937Arg (NM_001410736.1, NM_001441092.1); c.2312A>G, p.Gln771Arg (NM_001441093.1); c.2099A>G, p.Gln700Arg (NM_001441094.1, NM_001441095.1); c.2195A>G, p.Gln732Arg (NM_015075.2); short protein forms Q771R, Q700R, Q732R, Q937R.
Identifiers: ClinVar variation 5008956 (VCV005008956.1).
Genomic context (GRCh38, chrX:53,243,411, plus strand): 5'-ATGCGCTCCACAGCCTGCACCTGGGACACATGGTCATCGTTGGTCCGCAGTTCACGCCCC[T>C]GGATGCGCTGGTAGATGCCCACCAGGAGGTCTCGGGGGATGTCTTCACCATTGTCAACCC-3'
Protein context (NP_001104595.1, residues 927-947): DLLVGIYQRI[Gln937Arg]GRELRTNDDH

ClinVar aggregate classification (germline): Uncertain significance (1 of 4 stars; one submission).

Submission:

GeneDx
Classification: Uncertain significance. Last evaluated: 2026-03-13. Review status: criteria provided, single submitter. Criteria: GeneDx Variant Classification Process June 2021. Collection method: clinical testing. Allele origin: germline.
Comment: Not observed at significant frequency in large population cohorts (gnomAD); In silico analysis suggests that this missense variant does not alter protein structure/function; Has not been previously published as pathogenic or benign to our knowledge; This variant is associated with the following publications: (PMID: 20473311)